The following is an entry in ClinVar:

ClinVar aggregate classification (germline): Pathogenic/Likely pathogenic. Review status: criteria provided, multiple submitters, no conflicts (2 of 4 stars). 7 submissions from 7 submitters: Pathogenic (4); Likely pathogenic (1). 2 of the submissions do not count toward it. Last evaluated 2025-01-02.

Conditions:
Carnitine deficiency. Identifiers: MedGen C1142132.
SLC22A5-related disorder. Also called: SLC22A5-related condition.
Renal carnitine transport defect (CDSP). Also called: Systemic primary carnitine deficiency disease; Carnitine transporter deficiency; Carnitine Deficiency, Systemic; CARNITINE DEFICIENCY, SYSTEMIC, DUE TO DEFECT IN RENAL REABSORPTION OF CARNITINE; CARNITINE TRANSPORTER, PLASMA-MEMBRANE, DEFICIENCY OF; CARNITINE UPTAKE DEFECT. Identifiers: Orphanet 158, MedGen C0342788, MONDO:0008919, OMIM 212140.

Allele frequency attached by ClinVar (database versions not stated): gnomAD exomes 0.00001; ExAC 0.00002.
gnomAD v4.1: 8 of 1,613,096 alleles (0.0005%); highest among the groups gnomAD compares: South Asian, 0.0055%; no homozygotes.

Submissions (7):

Natera, Inc.
Classification: Pathogenic for Carnitine deficiency. Last evaluated: 2025-01-02. Review status: criteria provided, single submitter. Criteria: Natera Variant Classification Schema (03/2026). Collection method: clinical testing. Allele origin: germline.
Comment: The c.12C>G variant in SLC22A5 is a nonsense variant predicted to introduce a stop codon at amino acid 4. This variant is expected to result in nonsense mediated decay, truncation, or a dysfunctional protein product. This variant is rare in the general population with a frequency below the threshold expected for the associated phenotype(s). This variant has been observed in one or more individuals affected with the associated recessive disease, as either homozygous or compound heterozygous with a second variant (PMID: 28841266). Given the available evidence, this variant is classified as Pathogenic.

PreventionGenetics, part of Exact Sciences
Classification: Likely pathogenic for SLC22A5-related condition. Last evaluated: 2023-09-22. Review status: criteria provided, single submitter. Criteria: ACMG Guidelines, 2015. Collection method: clinical testing. Allele origin: germline.
Comment: The SLC22A5 c.12C>G variant is predicted to result in premature protein termination (p.Tyr4*). This variant was reported in the homozygous state in individuals with primary carnitine deficiency (Wang et al 2001. PubMed ID: 11715001; Frigeni M et al 2017. PubMed ID: 28841266). This variant is reported in 0.0065% of alleles in individuals of South Asian descent in gnomAD. Nonsense variants in SLC22A5 are expected to be pathogenic. This variant is interpreted as likely pathogenic.

Labcorp Genetics (formerly Invitae), Labcorp
Classification: Pathogenic for Renal carnitine transport defect. Last evaluated: 2023-08-21. Review status: criteria provided, single submitter. Criteria: Invitae Variant Classification Sherloc (09022015). Collection method: clinical testing. Allele origin: germline.
Comment: This variant is present in population databases (rs72552722, gnomAD 0.007%). For these reasons, this variant has been classified as Pathogenic. ClinVar contains an entry for this variant (Variation ID: 25347). This premature translational stop signal has been observed in individual(s) with primary carnitine deficiency (PMID: 11715001). This sequence change creates a premature translational stop signal (p.Tyr4*) in the SLC22A5 gene. It is expected to result in an absent or disrupted protein product. Loss-of-function variants in SLC22A5 are known to be pathogenic (PMID: 9916797).

Women's Health and Genetics/Laboratory Corporation of America, LabCorp
Classification: Pathogenic for Renal carnitine transport defect. Last evaluated: 2023-01-30. Review status: criteria provided, single submitter. Criteria: LabCorp Variant Classification Summary - May 2015. Collection method: clinical testing. Allele origin: germline.
Comment: Variant summary: SLC22A5 c.12C>G (p.Tyr4X) results in a premature termination codon, predicted to cause a truncation of the encoded protein or absence of the protein due to nonsense mediated decay, which are commonly known mechanisms for disease. Truncations downstream of this position have been classified as pathogenic by our laboratory. The variant allele was found at a frequency of 8e-06 in 248560 control chromosomes (gnomAD). c.12C>G has been reported in the literature in multiple homozygous individuals affected with Carnitine Deficiency and the variant segregated with the disease (examples: Wang_2001 and Frigeni_2017). These data indicate that the variant is very likely to be associated with disease. At least one publication reports experimental evidence evaluating an impact on protein function. The most pronounced variant effect results in <10% of normal activity (Frigeni_2017). Three clinical diagnostic laboratories have submitted clinical-significance assessments for this variant to ClinVar after 2014 and all classified the variant as pathogenic. Based on the evidence outlined above, the variant was classified as pathogenic.

Genome-Nilou Lab
Classification: Pathogenic for Renal carnitine transport defect. Last evaluated: 2021-07-15. Review status: criteria provided, single submitter. Criteria: ACMG Guidelines, 2015. Collection method: clinical testing. Allele origin: germline. Affected: no.

OMIM
Classification: Pathogenic for CARNITINE DEFICIENCY, SYSTEMIC PRIMARY. Last evaluated: 2020-09-17. Review status: no assertion criteria provided. Collection method: literature only. Allele origin: germline. Not counted in ClinVar's aggregate classification.

Counsyl
Classification: Pathogenic for Renal carnitine transport defect. Last evaluated: 2017-03-21. Review status: no assertion criteria provided. Collection method: clinical testing. Allele origin: unknown. Not counted in ClinVar's aggregate classification.

Literature cited by the submitters: PubMed 28841266 (cited by Natera, Inc. and Women's Health and Genetics/Laboratory Corporation of America, LabCorp); PubMed 11715001 (cited by 3 submitters); PubMed 9916797 (cited by Labcorp Genetics (formerly Invitae), Labcorp); PubMed 28857146 (cited by OMIM); PubMed 16652335 (cited by Counsyl).

NM_003060.4(SLC22A5):c.12C>G (p.Tyr4Ter)

Gene: SLC22A5 (solute carrier family 22 member 5; plus strand). Cytogenetic location: 5q31.1.
Variant type: single nucleotide variant.
Coding change: c.12C>G on transcript NM_003060.4 (MANE Select); coding-DNA position 12, C replaced by G.
Protein change: p.Tyr4Ter; replaces tyrosine 4 with a stop codon.
Molecular consequence: nonsense.
Genome position (GRCh38, 1-based): chr5:132,369,984, C>G. VCF-style: chr5-132369984-C-G. GRCh37 (hg19) VCF-style: chr5-131705676-C-G.
Other names: c.12C>G, p.Tyr4Ter (NM_001308122.2); short protein forms Y4*.
Identifiers: ClinVar variation 25347 (VCV000025347.21), dbSNP rs72552722, ClinGen allele CA342604.